The following is an entry in ClinVar:

ClinVar aggregate classification (germline): Uncertain significance. Review status: criteria provided, multiple submitters, no conflicts (2 of 4 stars). 2 submissions from 2 submitters: Uncertain significance (2). Last evaluated 2025-09-22.

Conditions:
Inborn genetic diseases. Identifiers: MedGen C0950123, MeSH D030342.

Allele frequency attached by ClinVar (database versions not stated): ExAC 0.00011; 1000 Genomes Project 30x 0.00078; gnomAD exomes 0.00001; gnomAD 0.00031; 1000 Genomes Project 0.00080; ESP Exome Variant Server 0.00023; TOPMed 0.00032.
gnomAD v4.1: 71 of 1,613,826 alleles (0.0044%); highest among the groups gnomAD compares: African/African-American, 0.087%; no homozygotes.

Submissions (2):

Ambry Genetics
Classification: Uncertain significance for Inborn genetic diseases. Last evaluated: 2025-09-22. Review status: criteria provided, single submitter. Criteria: Ambry Variant Classification Scheme 2023. Collection method: clinical testing. Allele origin: germline.

Labcorp Genetics (formerly Invitae), Labcorp
Classification: Uncertain significance. Last evaluated: 2022-06-11. Review status: criteria provided, single submitter. Criteria: Invitae Variant Classification Sherloc (09022015). Collection method: clinical testing. Allele origin: germline.
Comment: This sequence change replaces asparagine, which is neutral and polar, with serine, which is neutral and polar, at codon 600 of the GZF1 protein (p.Asn600Ser). This variant is present in population databases (rs373849617, gnomAD 0.1%). This variant has not been reported in the literature in individuals affected with GZF1-related conditions. Algorithms developed to predict the effect of missense changes on protein structure and function are either unavailable or do not agree on the potential impact of this missense change (SIFT: "Not Available"; PolyPhen-2: "Benign"; Align-GVGD: "Not Available"). In summary, the available evidence is currently insufficient to determine the role of this variant in disease. Therefore, it has been classified as a Variant of Uncertain Significance.

NM_022482.5(GZF1):c.1799A>G (p.Asn600Ser)

Gene: GZF1 (GDNF inducible zinc finger protein 1; plus strand). Cytogenetic location: 20p11.21.
Variant type: single nucleotide variant.
Coding change: c.1799A>G on transcript NM_022482.5 (MANE Select); coding-DNA position 1799, A replaced by G.
Protein change: p.Asn600Ser; replaces asparagine 600 with serine.
Molecular consequence: missense variant. On other transcripts: intron variant (1).
Genome position (GRCh38, 1-based): chr20:23,370,104, A>G. VCF-style: chr20-23370104-A-G. GRCh37 (hg19) VCF-style: chr20-23350741-A-G.
Other names: c.1799A>G (NM_022482.3); c.1799A>G, p.Asn600Ser (NM_001317012.2); c.1786-33A>G (NM_001317019.1); short protein forms N600S.
Identifiers: ClinVar variation 2197136 (VCV002197136.2), dbSNP rs373849617, ClinGen allele CA9788826.